The following is an entry in ClinVar:

NM_001372.4(DNAH9):c.4963G>A (p.Gly1655Ser)

Genes: DNAH9 (dynein axonemal heavy chain 9; plus strand), LOC126862506 (BRD4-independent group 4 enhancer GRCh37_chr17:11602804-11604003; plus strand). Cytogenetic location: 17p12.
Variant type: single nucleotide variant.
Coding change: c.4963G>A on transcript NM_001372.4 (MANE Select); coding-DNA position 4963, G replaced by A.
Protein change: p.Gly1655Ser; replaces glycine 1655 with serine.
Molecular consequence: missense variant.
Genome position (GRCh38, 1-based): chr17:11,699,821, G>A. VCF-style: chr17-11699821-G-A. GRCh37 (hg19) VCF-style: chr17-11603138-G-A.
Other names: short protein forms G1655S.
Identifiers: ClinVar variation 2443423 (VCV002443423.4), dbSNP rs370697162, ClinGen allele CA8395859.

ClinVar aggregate classification (germline): Uncertain significance. Review status: criteria provided, multiple submitters, no conflicts (2 of 4 stars). 3 submissions from 3 submitters: Uncertain significance (3). Last evaluated 2025-10-27.

Conditions:
DNAH9-related disorder. Also called: DNAH9-related condition.
Inborn genetic diseases. Identifiers: MedGen C0950123, MeSH D030342.

Allele frequency attached by ClinVar (database versions not stated): gnomAD exomes 0.00001; TOPMed 0.00001; ExAC 0.00003; gnomAD 0.00003; ESP Exome Variant Server 0.00008; 1000 Genomes Project 30x 0.00016; 1000 Genomes Project 0.00020.
gnomAD v4.1: 27 of 1,614,102 alleles (0.0017%); highest among the groups gnomAD compares: East Asian, 0.0045%; no homozygotes.

Submissions (3):

PreventionGenetics, part of Exact Sciences
Classification: Uncertain significance for DNAH9-related condition. Last evaluated: 2025-10-27. Review status: criteria provided, single submitter. Criteria: ACMG Guidelines, 2015. Collection method: clinical testing. Allele origin: germline.
Comment: The DNAH9 c.4963G>A variant is predicted to result in the amino acid substitution p.Gly1655Ser. To our knowledge, this variant has not been reported in the literature. This variant is reported in 0.0040% of alleles in individuals of African descent in gnomAD. At this time, the clinical significance of this variant is uncertain due to the absence of conclusive functional and genetic evidence.

Ambry Genetics
Classification: Uncertain significance for Inborn genetic diseases. Last evaluated: 2025-07-15. Review status: criteria provided, single submitter. Criteria: Ambry Variant Classification Scheme 2023. Collection method: clinical testing. Allele origin: germline.

GeneDx
Classification: Uncertain significance. Last evaluated: 2024-11-14. Review status: criteria provided, single submitter. Criteria: GeneDx Variant Classification Process June 2021. Collection method: clinical testing. Allele origin: germline. Affected: yes.
Comment: In silico analysis supports that this missense variant has a deleterious effect on protein structure/function; Has not been previously published as pathogenic or benign to our knowledge